The following is an entry in ClinVar:

ClinVar aggregate classification (germline): Pathogenic. Review status: criteria provided, multiple submitters, no conflicts (2 of 4 stars). 2 submissions from 2 submitters: Pathogenic (2). Last evaluated 2025-11-29.

Allele frequency attached by ClinVar (database versions not stated): TOPMed below 0.00001; gnomAD exomes below 0.00001; gnomAD 0.00001.
gnomAD v4.1: 2 of 1,613,150 alleles (0.00012%); highest among the groups gnomAD compares: Non-Finnish European, 0.00017%; no homozygotes.

Submissions (2):

GeneDx
Classification: Pathogenic. Last evaluated: 2025-11-29. Review status: criteria provided, single submitter. Criteria: GeneDx Variant Classification Process June 2021. Collection method: clinical testing. Allele origin: germline.
Comment: Nonsense variant predicted to result in protein truncation or nonsense mediated decay in a gene for which loss of function is a known mechanism of disease; Not observed at significant frequency in large population cohorts (gnomAD); Has not been previously published as pathogenic or benign to our knowledge

Labcorp Genetics (formerly Invitae), Labcorp
Classification: Pathogenic. Last evaluated: 2024-08-12. Review status: criteria provided, single submitter. Criteria: Invitae Variant Classification Sherloc (09022015). Collection method: clinical testing. Allele origin: germline.
Comment: This sequence change creates a premature translational stop signal (p.Leu1218*) in the RTTN gene. It is expected to result in an absent or disrupted protein product. Loss-of-function variants in RTTN are known to be pathogenic (PMID: 26608784, 26846091). This variant is not present in population databases (gnomAD no frequency). This variant has not been reported in the literature in individuals affected with RTTN-related conditions. For these reasons, this variant has been classified as Pathogenic.

Literature cited by the submitters: PubMed 26608784 (cited by Labcorp Genetics (formerly Invitae), Labcorp); PubMed 26846091 (cited by Labcorp Genetics (formerly Invitae), Labcorp).

NM_173630.4(RTTN):c.3653T>A (p.Leu1218Ter)

Gene: RTTN (rotatin; minus strand). Cytogenetic location: 18q22.2.
Variant type: single nucleotide variant.
Coding change: c.3653T>A on transcript NM_173630.4 (MANE Select); coding-DNA position 3653, T replaced by A.
Protein change: p.Leu1218Ter; replaces leucine 1218 with a stop codon.
Molecular consequence: nonsense.
Genome position (GRCh38, 1-based): chr18:70,114,475, A>T on the plus strand (T>A on the coding strand, the complement: RTTN is on the minus strand). VCF-style: chr18-70114475-A-T. GRCh37 (hg19) VCF-style: chr18-67781711-A-T.
Other names: c.917T>A, p.Leu306Ter (NM_001318520.2); short protein forms L1218*, L306*.
Identifiers: ClinVar variation 3253093 (VCV003253093.4), dbSNP rs1369882657.